The following is an entry in ClinVar:

ClinVar aggregate classification (germline): Pathogenic (1 of 4 stars; one submission).

Submission:

Labcorp Genetics (formerly Invitae), Labcorp
Classification: Pathogenic. Last evaluated: 2023-03-07. Review status: criteria provided, single submitter. Criteria: Invitae Variant Classification Sherloc (09022015). Collection method: clinical testing. Allele origin: germline.
Comment: This sequence change creates a premature translational stop signal (p.Thr611Alafs*13) in the TG gene. It is expected to result in an absent or disrupted protein product. Loss-of-function variants in TG are known to be pathogenic (PMID: 19837936, 23164529). This variant is not present in population databases (gnomAD no frequency). This variant has not been reported in the literature in individuals affected with TG-related conditions. For these reasons, this variant has been classified as Pathogenic.

Literature cited by the submitters: PubMed 19837936; PubMed 23164529.

NM_003235.5(TG):c.1831_1841del (p.Thr611fs)

Gene: TG (thyroglobulin; plus strand). Cytogenetic location: 8q24.22.
Variant type: Deletion.
Coding change: c.1831_1841del on transcript NM_003235.5 (MANE Select); coding-DNA positions 1831 to 1841, 11 bases deleted (ACACCTGAAAG).
Protein change: p.Thr611fs; shifts the reading frame from threonine 611.
Molecular consequence: frameshift variant.
Genome position (GRCh38, 1-based): chr8:132,887,203-132,887,213, ACACCTGAAAG deleted; deleting any 11 consecutive bases within chr8:132,887,201-132,887,213 gives the same sequence; the c. name uses the placement nearest the transcript's 3' end. VCF-style (leftmost placement, unchanged base first): chr8-132887200-CAGACACCTGAA-C. GRCh37 (hg19) VCF-style: chr8-133899445-CAGACACCTGAA-C.
Other names: short protein forms T611fs.
Identifiers: ClinVar variation 2843316 (VCV002843316.3), dbSNP rs2489825393, ClinGen allele CA2739268989.